The following is an entry in ClinVar:

ClinVar aggregate classification (germline): Conflicting classifications of pathogenicity. Review status: criteria provided, conflicting classifications (1 of 4 stars). 2 submissions from 2 submitters: Uncertain significance (1); Likely benign (1). Last evaluated 2025-11-18.

Allele frequency attached by ClinVar (database versions not stated): gnomAD exomes 0.00002; TOPMed 0.00003; ExAC 0.00008; gnomAD 0.00003.
gnomAD v4.1: 33 of 1,614,234 alleles (0.002%); highest among the groups gnomAD compares: East Asian, 0.047%; no homozygotes.

Submissions (2):

Labcorp Genetics (formerly Invitae), Labcorp
Classification: Uncertain significance. Last evaluated: 2025-11-18. Review status: criteria provided, single submitter. Criteria: Invitae Variant Classification Sherloc (09022015). Collection method: clinical testing. Allele origin: germline.
Comment: This sequence change replaces serine, which is neutral and polar, with glycine, which is neutral and non-polar, at codon 827 of the NUP133 protein (p.Ser827Gly). This variant is present in population databases (rs755831030, gnomAD 0.1%), and has an allele count higher than expected for a pathogenic variant. This variant has not been reported in the literature in individuals affected with NUP133-related conditions. ClinVar contains an entry for this variant (Variation ID: 2597824). An algorithm developed to predict the effect of missense changes on protein structure and function outputs the following: PolyPhen-2: "Benign". The glycine amino acid residue is found in multiple mammalian species, which suggests that this missense change does not adversely affect protein function. In summary, the available evidence is currently insufficient to determine the role of this variant in disease. Therefore, it has been classified as a Variant of Uncertain Significance.

Ambry Genetics
Classification: Likely benign. Last evaluated: 2023-10-27. Review status: criteria provided, single submitter. Criteria: Ambry Variant Classification Scheme 2023. Collection method: clinical testing. Allele origin: germline.

Literature cited by the submitters: PubMed 28106320 (cited by Ambry Genetics).

NM_018230.3(NUP133):c.2479A>G (p.Ser827Gly)

Gene: NUP133 (nucleoporin 133; minus strand). Cytogenetic location: 1q42.13.
Variant type: single nucleotide variant.
Coding change: c.2479A>G on transcript NM_018230.3 (MANE Select); coding-DNA position 2479, A replaced by G.
Protein change: p.Ser827Gly; replaces serine 827 with glycine.
Molecular consequence: missense variant.
Genome position (GRCh38, 1-based): chr1:229,464,696, T>C on the plus strand (A>G on the coding strand, the complement: NUP133 is on the minus strand). VCF-style: chr1-229464696-T-C. GRCh37 (hg19) VCF-style: chr1-229600443-T-C.
Other names: short protein forms S827G.
Identifiers: ClinVar variation 2597824 (VCV002597824.4), dbSNP rs755831030, ClinGen allele CA1443281.